The following is an entry in ClinVar:

ClinVar aggregate classification (germline): Uncertain significance (1 of 4 stars; one submission).

gnomAD v4.1: 2 of 1,612,436 alleles (0.00012%); highest among the groups gnomAD compares: East Asian, 0.0045%; no homozygotes.

Submission:

Labcorp Genetics (formerly Invitae), Labcorp
Classification: Uncertain significance. Last evaluated: 2021-04-29. Review status: criteria provided, single submitter. Criteria: Invitae Variant Classification Sherloc (09022015). Collection method: clinical testing. Allele origin: germline.
Comment: Algorithms developed to predict the effect of missense changes on protein structure and function (SIFT, PolyPhen-2, Align-GVGD) all suggest that this variant is likely to be tolerated, but these predictions have not been confirmed by published functional studies and their clinical significance is uncertain. This variant has not been reported in the literature in individuals with PPA2-related conditions. This variant is not present in population databases (ExAC no frequency). This sequence change replaces threonine with serine at codon 37 of the PPA2 protein (p.Thr37Ser). The threonine residue is moderately conserved and there is a small physicochemical difference between threonine and serine. Algorithms developed to predict the effect of sequence changes on RNA splicing suggest that this variant may create or strengthen a splice site, but this prediction has not been confirmed by published transcriptional studies. In summary, the available evidence is currently insufficient to determine the role of this variant in disease. Therefore, it has been classified as a Variant of Uncertain Significance.

NM_176869.3(PPA2):c.110C>G (p.Thr37Ser)

Gene: PPA2 (inorganic pyrophosphatase 2; minus strand). Cytogenetic location: 4q24.
Variant type: single nucleotide variant.
Coding change: c.110C>G on transcript NM_176869.3 (MANE Select); coding-DNA position 110, C replaced by G.
Protein change: p.Thr37Ser; replaces threonine 37 with serine.
Molecular consequence: missense variant.
Genome position (GRCh38, 1-based): chr4:105,473,941, G>C on the plus strand (C>G on the coding strand, the complement: PPA2 is on the minus strand). VCF-style: chr4-105473941-G-C. GRCh37 (hg19) VCF-style: chr4-106395098-G-C.
Other names: c.110C>G, p.Thr37Ser (NM_006903.4, NM_176866.2, NM_176867.3); short protein forms T37S.
Identifiers: ClinVar variation 1350027 (VCV001350027.8), dbSNP rs763040737, ClinGen allele CA357967955.
Genomic context (GRCh38, chr4:105,473,941, plus strand): 5'-GGGAGCTACTTACTAAAGAAGAGGCGGTAATTCTGCGAGCAGGGCTGGCCGCGCTCCTCA[G>C]TGTGGTACAGGGCCATAGCACGGCGCGACCCGGTCCCTGCACTGGTCCCCAACCGCAGGC-3'
Protein context (NP_789845.1, residues 27-47): GSRRAMALYH[Thr37Ser]EERGQPCSQN